The following is an entry in ClinVar:

NM_018100.4(EFHC1):c.662G>A (p.Arg221His)

Gene: EFHC1 (EF-hand domain containing 1; plus strand). Cytogenetic location: 6p12.2.
Variant type: single nucleotide variant.
Coding change: c.662G>A on transcript NM_018100.4 (MANE Select); coding-DNA position 662, G replaced by A.
Protein change: p.Arg221His; replaces arginine 221 with histidine.
Molecular consequence: missense variant. On other transcripts: non-coding transcript variant (1).
Genome position (GRCh38, 1-based): chr6:52,452,776, G>A. VCF-style: chr6-52452776-G-A. GRCh37 (hg19) VCF-style: chr6-52317574-G-A.
Other names: p.R221H:CGT>CAT; c.605G>A, p.Arg202His (NM_001172420.2); short protein forms R221H, R202H.
Identifiers: ClinVar variation 205384 (VCV000205384.27), dbSNP rs79761183, ClinGen allele CA314406.

ClinVar aggregate classification (germline): Benign/Likely benign. Review status: criteria provided, multiple submitters, no conflicts (2 of 4 stars). 8 submissions from 8 submitters: Benign (3); Likely benign (3). 2 of the submissions do not count toward it. Last evaluated 2025-04-14.

Conditions:
EFHC1-related disorder. Also called: EFHC1-related condition.
Absence seizure. Also called: Absence epilepsy. Identifiers: Orphanet 1941, MedGen C0014553.
Myoclonic epilepsy, juvenile, susceptibility to, 1. Also called: Myoclonic Epilepsy, Juvenile, 1; EJM1. Identifiers: MedGen C1850778, MONDO:0020752, OMIM 254770.

Allele frequency attached by ClinVar (database versions not stated): 1000 Genomes Project 0.00659; ExAC 0.00234; gnomAD 0.00718 and 0.00778; 1000 Genomes Project 30x 0.00765; ESP Exome Variant Server 0.00807; TOPMed 0.00854.
gnomAD v4.1: 2,127 of 1,614,130 alleles (0.13%); highest among the groups gnomAD compares: African/African-American, 2.4%; 32 homozygotes.

Submissions (8):

Labcorp Genetics (formerly Invitae), Labcorp
Classification: Benign for Myoclonic epilepsy, juvenile, susceptibility to, 1; Absence seizure. Last evaluated: 2025-04-14. Review status: criteria provided, single submitter. Criteria: Invitae Variant Classification Sherloc (09022015). Collection method: clinical testing. Allele origin: germline.

Genetic Services Laboratory, University of Chicago
Classification: Likely benign. Last evaluated: 2020-06-23. Review status: criteria provided, single submitter. Criteria: ACMG Guidelines, 2015. Collection method: clinical testing. Allele origin: germline. Affected: no.

Athena Diagnostics
Classification: Benign. Last evaluated: 2017-09-30. Review status: criteria provided, single submitter. Criteria: Athena Diagnostics Criteria. Collection method: clinical testing. Allele origin: germline.

Center for Pediatric Genomic Medicine, Children's Mercy Hospital and Clinics
Classification: Likely benign. Last evaluated: 2016-12-02. Review status: criteria provided, single submitter. Criteria: ACMG Guidelines, 2015. Collection method: clinical testing. Allele origin: germline.
ClinVar note: Converted during submission from Likely Benign to Likely benign.

Eurofins Ntd Llc (ga)
Classification: Benign. Last evaluated: 2016-04-08. Review status: criteria provided, single submitter. Criteria: EGL Classification Definitions 2015. Collection method: clinical testing. Allele origin: germline. Observed: 1 variant allele, 1 heterozygote.

Breakthrough Genomics
Classification: Likely benign. Review status: criteria provided, single submitter. Criteria: ACMG Guidelines, 2015. Collection method: not provided. Allele origin: germline. Inheritance: Autosomal dominant inheritance. Affected: yes.

PreventionGenetics, part of Exact Sciences
Classification: Benign for EFHC1-related condition. Last evaluated: 2021-06-30. Review status: no assertion criteria provided. Collection method: clinical testing. Allele origin: germline. Not counted in ClinVar's aggregate classification.
Comment: This variant is classified as benign based on ACMG/AMP sequence variant interpretation guidelines (Richards et al. 2015 PMID: 25741868, with internal and published modifications).

GeneDx
No classification provided. Last evaluated: 2015-04-03. Review status: no classification provided. Criteria: GeneDx Variant Classification (06012015). Collection method: clinical testing. Allele origin: germline. Affected: yes. Not counted in ClinVar's aggregate classification.
Comment: p.Arg221His (CGT>CAT): c.662 G>A in exon 4 of the EFHC1 gene (NM_018100.3). P77T and R221H were identified on the same chromosome and co-segregated with juvenile myoclonic epilepsy (JME) in two families (Suzuki et al., 2004). Functional studies suggest that both P77T and R221H impair apoptosis and alter calcium currents (Suzuki et al., 2004). However, both P77T and R221H have subsequently been identified in 1-3% of the African population in the NHLBI ESP Exome Variant Project and the 1000 Genomes Database. P77T results in a nonconservative amino acid substitution, while the R221H substitution is a conservative change. Both of these missense substitutions alter positions in the protein that are not highly conserved throughout evolution or in related proteins, and multiple in silico models predict they are likely benign. Therefore, currently available evidence suggests that P77T and R221H may be associated with JME, although the possibility that they are benign variants cannot be completely excluded. The variant is found in CHILD-EPI,EPILEPSY,INFANT-EPI panel(s).

Literature cited by the submitters: PubMed 22226147 (cited by Athena Diagnostics); PubMed 20981092 (cited by Athena Diagnostics); PubMed 25108116 (cited by Athena Diagnostics); PubMed 25489633 (cited by Athena Diagnostics); PubMed 15258581 (cited by Athena Diagnostics); PubMed 16839746 (cited by Athena Diagnostics); PubMed 18823326 (cited by Athena Diagnostics); PubMed 22926142 (cited by Athena Diagnostics); PubMed 23527921 (cited by Athena Diagnostics).